The following is an entry in ClinVar:

ClinVar aggregate classification (germline): Benign/Likely benign. Review status: criteria provided, multiple submitters, no conflicts (2 of 4 stars). 4 submissions from 4 submitters: Benign (2); Likely benign (1). 1 of the submissions does not count toward it. Last evaluated 2026-01-27.

Conditions:
ALK-related disorder. Also called: ALK-related condition.
Neuroblastoma, susceptibility to, 3. Also called: ALK-Related Neuroblastic Tumor Susceptibility. Identifiers: Orphanet 635, MedGen C2751681, MONDO:0013083, OMIM 613014.

Allele frequency attached by ClinVar (database versions not stated): gnomAD 0.00009; ESP Exome Variant Server 0.00015; TOPMed 0.00019; 1000 Genomes Project 0.00020; 1000 Genomes Project 30x 0.00031.
gnomAD v4.1: 101 of 1,614,158 alleles (0.0063%); highest among the groups gnomAD compares: Admixed American, 0.1%; no homozygotes.

Submissions (4):

Labcorp Genetics (formerly Invitae), Labcorp
Classification: Benign for Neuroblastoma, susceptibility to, 3. Last evaluated: 2026-01-27. Review status: criteria provided, single submitter. Criteria: Invitae Variant Classification Sherloc (09022015). Collection method: clinical testing. Allele origin: germline.

KCCC/NGS Laboratory, Kuwait Cancer Control Center
Classification: Benign for Neuroblastoma, susceptibility to, 3. Last evaluated: 2023-07-07. Review status: criteria provided, single submitter. Criteria: ACMG Guidelines, 2015. Collection method: clinical testing. Allele origin: germline. Affected: yes.

Illumina Laboratory Services, Illumina
Classification: Likely benign for Neuroblastoma, susceptibility to, 3. Last evaluated: 2018-01-12. Review status: criteria provided, single submitter. Criteria: ICSL Variant Classification Criteria 13 December 2019. Collection method: clinical testing. Allele origin: germline.
Comment: This variant was observed in the ICSL laboratory as part of a predisposition screen in an ostensibly healthy population. It had not been previously curated by ICSL or reported in the Human Gene Mutation Database (HGMD: prior to June 1st, 2018), and was therefore a candidate for classification through an automated scoring system. Utilizing variant allele frequency, disease prevalence and penetrance estimates, and inheritance mode, an automated score was calculated to assess if this variant is too frequent to cause the disease. Based on the score and internal cut-off values, a variant classified as likely benign is not then subjected to further curation. The score for this variant resulted in a classification of likely benign for this disease.

PreventionGenetics, part of Exact Sciences
Classification: Likely benign for ALK-related condition. Last evaluated: 2022-09-23. Review status: no assertion criteria provided. Collection method: clinical testing. Allele origin: germline. Not counted in ClinVar's aggregate classification.
Comment: This variant is classified as likely benign based on ACMG/AMP sequence variant interpretation guidelines (Richards et al. 2015 PMID: 25741868, with internal and published modifications).

NM_004304.5(ALK):c.2632+8G>A

Gene: ALK (ALK receptor tyrosine kinase; minus strand). Cytogenetic location: 2p23.2.
Variant type: single nucleotide variant.
Coding change: c.2632+8G>A on transcript NM_004304.5 (MANE Select); 8 bases into the intron after coding-DNA position 2632, G replaced by A.
Molecular consequence: intron variant.
Genome position (GRCh38, 1-based): chr2:29,232,296, C>T on the plus strand (G>A on the coding strand, the complement: ALK is on the minus strand). VCF-style: chr2-29232296-C-T. GRCh37 (hg19) VCF-style: chr2-29455162-C-T.
Identifiers: ClinVar variation 412907 (VCV000412907.18), dbSNP rs199653862, ClinGen allele CA1594245.